The following is an entry in ClinVar:

NM_001378454.1(ALMS1):c.2801T>G (p.Val934Gly)

Gene: ALMS1 (ALMS1 centrosome and basal body associated protein; plus strand). Cytogenetic location: 2p13.1.
Variant type: single nucleotide variant.
Coding change: c.2801T>G on transcript NM_001378454.1 (MANE Select); coding-DNA position 2801, T replaced by G.
Protein change: p.Val934Gly; replaces valine 934 with glycine.
Molecular consequence: missense variant.
Genome position (GRCh38, 1-based): chr2:73,449,328, T>G. VCF-style: chr2-73449328-T-G. GRCh37 (hg19) VCF-style: chr2-73676455-T-G.
Other names: c.2804T>G, p.Val935Gly (NM_015120.4); short protein forms V934G, V935G.
Identifiers: ClinVar variation 2626204 (VCV002626204.2), dbSNP rs1390087434, ClinGen allele CA347272179.

ClinVar aggregate classification (germline): Uncertain significance (1 of 4 stars; one submission).

Conditions:
Cardiovascular phenotype. Identifiers: MedGen CN230736.

Allele frequency attached by ClinVar (database versions not stated): TOPMed below 0.00001; gnomAD 0.00001; gnomAD exomes 0.00001.
gnomAD v4.1: 9 of 1,613,924 alleles (0.00056%); highest among the groups gnomAD compares: Non-Finnish European, 0.00076%; no homozygotes.

Submission:

Ambry Genetics
Classification: Uncertain significance for Cardiovascular phenotype. Last evaluated: 2023-09-13. Review status: criteria provided, single submitter. Criteria: Ambry Variant Classification Scheme 2023. Collection method: clinical testing. Allele origin: germline.
Comment: The p.V935G variant (also known as c.2804T>G), located in coding exon 8 of the ALMS1 gene, results from a T to G substitution at nucleotide position 2804. The valine at codon 935 is replaced by glycine, an amino acid with dissimilar properties. This amino acid position is not well conserved in available vertebrate species. In addition, this alteration is predicted to be tolerated by in silico analysis. Since supporting evidence is limited at this time, the clinical significance of this alteration remains unclear.